The following is an entry in ClinVar:

NM_006790.3(MYOT):c.1442_1444del (p.Gly481del)

Genes: MYOT (myotilin; plus strand), PKD2L2-DT (PKD2L2 divergent transcript; minus strand). Cytogenetic location: 5q31.2.
Variant type: Deletion.
Coding change: c.1442_1444del on transcript NM_006790.3 (MANE Select); coding-DNA positions 1442 to 1444, 3 bases deleted (GAG; older notation c.1442_1444delGAG).
Protein change: p.Gly481del; deletes glycine 481.
Molecular consequence: inframe deletion.
Genome position (GRCh38, 1-based): chr5:137,887,330-137,887,332, GAG deleted; deleting any 3 consecutive bases within chr5:137,887,328-137,887,332 gives the same sequence; the c. name uses the placement nearest the transcript's 3' end. VCF-style (leftmost placement, unchanged base first): chr5-137887327-AAGG-A. GRCh37 (hg19) VCF-style: chr5-137223016-AAGG-A.
Other names: c.1442_1444delGAG (NM_006790.3); c.890_892del, p.Gly297del (NM_001135940.2); c.1097_1099del, p.Gly366del (NM_001300911.2); short protein forms G297del, G366del, G481del.
Identifiers: ClinVar variation 3233725 (VCV003233725.3), dbSNP rs1755634991, ClinGen allele CA1585602090.
Genomic context (GRCh38, chr5:137,887,327, plus strand): 5'-TCAGCAAATATTTAGCACTTAATGGGAAAGGTTTGAATGTAAAACAAGCTTTTAACCCAG[AAGG>A]AGAATTTCAGCGTTTGGCAGCTCAATCTGGACTCTATGAAAGTGAAGAACTTTAATAACT-3'

ClinVar aggregate classification (germline): Uncertain significance. Review status: criteria provided, multiple submitters, no conflicts (2 of 4 stars). 2 submissions from 2 submitters: Uncertain significance (2). Last evaluated 2024-05-01.

Conditions:
Myofibrillar myopathy 3 (MFM3). Also called: Muscular dystrophy, proximal, type 1A; Autosomal dominant spheroid body myopathy. Identifiers: Orphanet 266, Orphanet 268129, MedGen C3714934, MONDO:0012215, OMIM 609200.

Submissions (2):

Fulgent Genetics
Classification: Uncertain significance for Myofibrillar myopathy 3. Last evaluated: 2024-05-01. Review status: criteria provided, single submitter. Criteria: ACMG Guidelines, 2015. Collection method: clinical testing. Allele origin: germline.

Women's Health and Genetics/Laboratory Corporation of America, LabCorp
Classification: Uncertain significance. Last evaluated: 2024-03-28. Review status: criteria provided, single submitter. Criteria: LabCorp Variant Classification Summary - May 2015. Collection method: clinical testing. Allele origin: germline.
Comment: Variant summary: MYOT c.1442_1444delGAG (p.Gly481del) results in an in-frame deletion that is predicted to remove one amino acid from the encoded protein. The variant was absent in 251430 control chromosomes. The available data on variant occurrences in the general population are insufficient to allow any conclusion about variant significance. To our knowledge, no occurrence of c.1442_1444delGAG in individuals affected with Spheroid Body Myopathy and no experimental evidence demonstrating its impact on protein function have been reported. No submitters have cited clinical-significance assessments for this variant to ClinVar. Based on the evidence outlined above, the variant was classified as uncertain significance.